The following is an entry in ClinVar:

NM_000057.4(BLM):c.1073G>A (p.Ser358Asn)

Gene: BLM (BLM RecQ like helicase; plus strand). Cytogenetic location: 15q26.1.
Variant type: single nucleotide variant.
Coding change: c.1073G>A on transcript NM_000057.4 (MANE Select); coding-DNA position 1073, G replaced by A.
Protein change: p.Ser358Asn; replaces serine 358 with asparagine.
Molecular consequence: missense variant. On other transcripts: 5 prime UTR variant (1).
Genome position (GRCh38, 1-based): chr15:90,754,924, G>A. VCF-style: chr15-90754924-G-A. GRCh37 (hg19) VCF-style: chr15-91298154-G-A.
Other names: c.1073G>A, p.Ser358Asn (NM_001287246.2, NM_001287247.2); c.-219G>A (NM_001287248.2); short protein forms S358N.
Identifiers: ClinVar variation 2016545 (VCV002016545.5), dbSNP rs750203166, ClinGen allele CA7738417.

ClinVar aggregate classification (germline): Uncertain significance. Review status: criteria provided, multiple submitters, no conflicts (2 of 4 stars). 2 submissions from 2 submitters: Uncertain significance (2). Last evaluated 2021-11-29.

Conditions:
Bloom syndrome (BLM). Also called: Bloom-Torre-Machacek syndrome. Identifiers: Orphanet 125, MedGen C0005859, MONDO:0008876, OMIM 210900.

Allele frequency attached by ClinVar (database versions not stated): gnomAD exomes below 0.00001; ExAC 0.00001.
gnomAD v4.1: 1 of 1,613,858 alleles (0.000062%); highest among the groups gnomAD compares: South Asian, 0.0011%; no homozygotes.

Submissions (2):

Labcorp Genetics (formerly Invitae), Labcorp
Classification: Uncertain significance for Bloom syndrome. Last evaluated: 2021-11-29. Review status: criteria provided, single submitter. Criteria: Invitae Variant Classification Sherloc (09022015). Collection method: clinical testing. Allele origin: germline.
Comment: This sequence change replaces serine, which is neutral and polar, with asparagine, which is neutral and polar, at codon 358 of the BLM protein (p.Ser358Asn). This variant is present in population databases (rs750203166, gnomAD 0.003%). This variant has not been reported in the literature in individuals affected with BLM-related conditions. Algorithms developed to predict the effect of missense changes on protein structure and function output the following: SIFT: "Tolerated"; PolyPhen-2: "Benign"; Align-GVGD: "Class C0". The asparagine amino acid residue is found in multiple mammalian species, which suggests that this missense change does not adversely affect protein function. In summary, the available evidence is currently insufficient to determine the role of this variant in disease. Therefore, it has been classified as a Variant of Uncertain Significance.

Blueprint Genetics
Classification: Uncertain significance. Last evaluated: 2020-12-22. Review status: criteria provided, single submitter. Criteria: ACMG Guidelines, 2015. Collection method: clinical testing. Allele origin: germline.